The following is an entry in ClinVar:

ClinVar aggregate classification (germline): Uncertain significance. Review status: criteria provided, multiple submitters, no conflicts (2 of 4 stars). 2 submissions from 2 submitters: Uncertain significance (2). Last evaluated 2025-08-22.

Conditions:
Emery-Dreifuss muscular dystrophy 4, autosomal dominant (EDMD4). Also called: EMERY-DREIFUSS MUSCULAR DYSTROPHY 4 WITH VARIABLE FEATURES. Identifiers: Orphanet 261, MedGen C2751807, MONDO:0013071, OMIM 612998.
Autosomal recessive ataxia, Beauce type. Also called: SYNE1 Deficiency; Spinocerebellar ataxia, autosomal recessive 8; ATAXIA, RECESSIVE, OF BEAUCE; SYNE1-Related Autosomal Recessive Cerebellar Ataxia. Identifiers: Orphanet 88644, MedGen C1853116, MONDO:0012549, OMIM 610743.

Allele frequency attached by ClinVar (database versions not stated): gnomAD exomes 0.00003 and 0.00010; ExAC 0.00014; gnomAD 0.00024 and 0.00025; TOPMed 0.00026; ESP Exome Variant Server 0.00038; 1000 Genomes Project 0.00120; 1000 Genomes Project 30x 0.00125.
gnomAD v4.1: 81 of 1,613,542 alleles (0.005%); highest among the groups gnomAD compares: African/African-American, 0.099%; no homozygotes.

Submissions (2):

Labcorp Genetics (formerly Invitae), Labcorp
Classification: Uncertain significance for Emery-Dreifuss muscular dystrophy 4, autosomal dominant; Autosomal recessive ataxia, Beauce type. Last evaluated: 2025-08-22. Review status: criteria provided, single submitter. Criteria: Invitae Variant Classification Sherloc (09022015). Collection method: clinical testing. Allele origin: germline.
Comment: This sequence change falls in intron 43 of the SYNE1 gene. It does not directly change the encoded amino acid sequence of the SYNE1 protein. It affects a nucleotide within the consensus splice site. This variant is present in population databases (rs373663183, gnomAD 0.1%). This variant has not been reported in the literature in individuals affected with SYNE1-related conditions. ClinVar contains an entry for this variant (Variation ID: 499298). Variants that disrupt the consensus splice site are a relatively common cause of aberrant splicing (PMID: 17576681, 9536098). Algorithms developed to predict the effect of sequence changes on RNA splicing suggest that this variant is not likely to affect RNA splicing. In summary, the available evidence is currently insufficient to determine the role of this variant in disease. Therefore, it has been classified as a Variant of Uncertain Significance.

Eurofins Ntd Llc (ga)
Classification: Uncertain significance. Last evaluated: 2017-01-06. Review status: criteria provided, single submitter. Criteria: EGL Classification Definitions 2015. Collection method: clinical testing. Allele origin: germline. Observed: 2 variant alleles, 2 heterozygotes.

Literature cited by the submitters: PubMed 17576681 (cited by Labcorp Genetics (formerly Invitae), Labcorp); PubMed 9536098 (cited by Labcorp Genetics (formerly Invitae), Labcorp).

NM_182961.4(SYNE1):c.6382-3C>T

Gene: SYNE1 (spectrin repeat containing nuclear envelope protein 1; minus strand). Cytogenetic location: 6q25.2.
Variant type: single nucleotide variant.
Coding change: c.6382-3C>T on transcript NM_182961.4 (MANE Select); 3 bases into the intron before coding-DNA position 6382, C replaced by T.
Molecular consequence: intron variant.
Genome position (GRCh38, 1-based): chr6:152,409,229, G>A on the plus strand (C>T on the coding strand, the complement: SYNE1 is on the minus strand). VCF-style: chr6-152409229-G-A. GRCh37 (hg19) VCF-style: chr6-152730364-G-A.
Other names: c.6403-3C>T (NM_033071.5).
Identifiers: ClinVar variation 499298 (VCV000499298.10), dbSNP rs373663183, ClinGen allele CA4058081.
Genomic context (GRCh38, chr6:152,409,229, plus strand): 5'-TGGTAAAGTTATCCAAGTCTTTCTGTTTGTAATTCATTTTGTTCTTGGCAGTTTCATGCT[G>A]TGGATAAATGATTTCTTAATTAATAAAATAGTCAGTGATAAGTCATGAGTTTAAAACCAT-3'